The following is an entry in ClinVar:

ClinVar aggregate classification (germline): Pathogenic. Review status: criteria provided, multiple submitters, no conflicts (2 of 4 stars). 2 submissions from 2 submitters: Pathogenic (2). Last evaluated 2025-09-12.

Conditions:
Thrombophilia due to protein S deficiency, autosomal recessive (THPH6). Identifiers: Orphanet 743, MedGen C3281092, MONDO:0013791, OMIM 614514. Disease mechanism: loss of function.

Allele frequency attached by ClinVar (database versions not stated): gnomAD exomes below 0.00001; TOPMed below 0.00001.
gnomAD v4.1: 1 of 1,612,750 alleles (0.000062%); highest among the groups gnomAD compares: Non-Finnish European, 0.000085%; no homozygotes.

Submissions (2):

GeneDx
Classification: Pathogenic. Last evaluated: 2025-09-12. Review status: criteria provided, single submitter. Criteria: GeneDx Variant Classification Process June 2021. Collection method: clinical testing. Allele origin: germline. Affected: yes.
Comment: Nonsense variant predicted to result in protein truncation or nonsense mediated decay in a gene for which loss of function is a known mechanism of disease; Not observed at significant frequency in large population cohorts (gnomAD); Has not been previously published as pathogenic or benign to our knowledge

Labcorp Genetics (formerly Invitae), Labcorp
Classification: Pathogenic for Thrombophilia due to protein S deficiency, autosomal recessive. Last evaluated: 2024-08-29. Review status: criteria provided, single submitter. Criteria: Invitae Variant Classification Sherloc (09022015). Collection method: clinical testing. Allele origin: germline.
Comment: This sequence change creates a premature translational stop signal (p.Glu402*) in the PROS1 gene. It is expected to result in an absent or disrupted protein product. Loss-of-function variants in PROS1 are known to be pathogenic (PMID: 9241758). This variant is not present in population databases (gnomAD no frequency). This variant has not been reported in the literature in individuals affected with PROS1-related conditions. ClinVar contains an entry for this variant (Variation ID: 523822). For these reasons, this variant has been classified as Pathogenic.

Literature cited by the submitters: PubMed 9241758 (cited by Labcorp Genetics (formerly Invitae), Labcorp).

NM_000313.4(PROS1):c.1204G>T (p.Glu402Ter)

Gene: PROS1 (protein S; minus strand). Cytogenetic location: 3q11.1.
Variant type: single nucleotide variant.
Coding change: c.1204G>T on transcript NM_000313.4 (MANE Select); coding-DNA position 1204, G replaced by T.
Protein change: p.Glu402Ter; replaces glutamic acid 402 with a stop codon.
Molecular consequence: nonsense.
Genome position (GRCh38, 1-based): chr3:93,886,455, C>A on the plus strand (G>T on the coding strand, the complement: PROS1 is on the minus strand). VCF-style: chr3-93886455-C-A. GRCh37 (hg19) VCF-style: chr3-93605299-C-A.
Other names: c.1300G>T, p.Glu434Ter (NM_001314077.2); short protein forms E402*, E434*.
Identifiers: ClinVar variation 523822 (VCV000523822.5), dbSNP rs1553809314, ClinGen allele CA353670171.